The following is an entry in ClinVar:

NM_001017979.3(RAB28):c.395A>T (p.Asp132Val)

Gene: RAB28 (RAB28, member RAS oncogene family; minus strand). Cytogenetic location: 4p15.33.
Variant type: single nucleotide variant.
Coding change: c.395A>T on transcript NM_001017979.3 (MANE Select); coding-DNA position 395, A replaced by T.
Protein change: p.Asp132Val; replaces aspartic acid 132 with valine.
Molecular consequence: missense variant.
Genome position (GRCh38, 1-based): chr4:13,381,591, T>A on the plus strand (A>T on the coding strand, the complement: RAB28 is on the minus strand). VCF-style: chr4-13381591-T-A. GRCh37 (hg19) VCF-style: chr4-13383215-T-A.
Other names: c.395A>T, p.Asp132Val (NM_001159601.2, NM_004249.4); short protein forms D132V.
Identifiers: ClinVar variation 2006075 (VCV002006075.5), dbSNP rs753228773, ClinGen allele CA2860094.
Genomic context (GRCh38, chr4:13,381,591, plus strand): 5'-CCATTTTCCTGGCAAAACCGTAAGTGTTTTTCAGGTTTTATTGTTCGCATATGCTCCAAA[T>A]CAACTAGAAAGGTGTTAAAGAAAGAAAATAATTCAATATTAGAGTCTATCAAAACGTTTT-3'
Protein context (NP_001017979.1, residues 122-142): PLVALVGNKI[Asp132Val]LEHMRTIKPE

ClinVar aggregate classification (germline): Uncertain significance. Review status: criteria provided, single submitter (1 of 4 stars). 2 submissions from 2 submitters: Uncertain significance (1). 1 of the submissions does not count toward it. Last evaluated 2022-06-30.

Conditions:
Retinal dystrophy. Also called: Inherited retinal dystrophy. Identifiers: Orphanet 71862, MedGen C0854723, MeSH D058499, MONDO:0019118, HP:0000556.

Allele frequency attached by ClinVar (database versions not stated): gnomAD exomes below 0.00001; ExAC 0.00001.
gnomAD v4.1: 1 of 1,609,826 alleles (0.000062%); highest among the groups gnomAD compares: Non-Finnish European, 0.000085%; no homozygotes.

Submissions (2):

Labcorp Genetics (formerly Invitae), Labcorp
Classification: Uncertain significance. Last evaluated: 2022-06-30. Review status: criteria provided, single submitter. Criteria: Invitae Variant Classification Sherloc (09022015). Collection method: clinical testing. Allele origin: germline.
Comment: This sequence change replaces aspartic acid, which is acidic and polar, with valine, which is neutral and non-polar, at codon 132 of the RAB28 protein (p.Asp132Val). This variant is present in population databases (rs753228773, gnomAD 0.0009%). This variant has not been reported in the literature in individuals affected with RAB28-related conditions. Algorithms developed to predict the effect of missense changes on protein structure and function (SIFT, PolyPhen-2, Align-GVGD) all suggest that this variant is likely to be disruptive. In summary, the available evidence is currently insufficient to determine the role of this variant in disease. Therefore, it has been classified as a Variant of Uncertain Significance.

Institute of Human Genetics, Univ. Regensburg, Univ. Regensburg
Classification: Uncertain significance for Retinal dystrophy. Last evaluated: 2022-01-01. Review status: no assertion criteria provided. Criteria: ACMG Guidelines, 2015. Collection method: clinical testing. Allele origin: germline. Affected: yes. Not counted in ClinVar's aggregate classification.